The following is an entry in ClinVar:

ClinVar aggregate classification (germline): Uncertain significance. Review status: criteria provided, multiple submitters, no conflicts (2 of 4 stars). 2 submissions from 2 submitters: Uncertain significance (2). Last evaluated 2024-12-18.

Conditions:
Bethlem myopathy 1A. Also called: Bethlem myopathy 1; Bethlem Muscular Dystrophy; MYOPATHY, BENIGN CONGENITAL, WITH CONTRACTURES. Identifiers: Orphanet 610, MedGen CN029274, MONDO:0024530, OMIM 158810.
Ullrich congenital muscular dystrophy 1A. Also called: Ullrich congenital muscular dystrophy 1; Intermediate COL6-RD. Identifiers: Orphanet 75840, MedGen C0410179, MONDO:0009681, OMIM 254090.
Dystonia 27 (DYT27). Identifiers: Orphanet 464440, MedGen C4225336, MONDO:0014627, OMIM 616411.

Allele frequency attached by ClinVar (database versions not stated): gnomAD exomes below 0.00001; gnomAD 0.00001; TOPMed 0.00002.
gnomAD v4.1: 4 of 1,614,062 alleles (0.00025%); highest among the groups gnomAD compares: African/African-American, 0.0053%; no homozygotes.

Submissions (2):

Labcorp Genetics (formerly Invitae), Labcorp
Classification: Uncertain significance for Bethlem myopathy 1A. Last evaluated: 2024-12-18. Review status: criteria provided, single submitter. Criteria: Invitae Variant Classification Sherloc (09022015). Collection method: clinical testing. Allele origin: germline.
Comment: This sequence change replaces glutamine, which is neutral and polar, with arginine, which is basic and polar, at codon 304 of the COL6A3 protein (p.Gln304Arg). This variant is not present in population databases (gnomAD no frequency). This variant has not been reported in the literature in individuals affected with COL6A3-related conditions. ClinVar contains an entry for this variant (Variation ID: 1367714). Invitae Evidence Modeling of protein sequence and biophysical properties (such as structural, functional, and spatial information, amino acid conservation, physicochemical variation, residue mobility, and thermodynamic stability) indicates that this missense variant is not expected to disrupt COL6A3 protein function with a negative predictive value of 95%. In summary, the available evidence is currently insufficient to determine the role of this variant in disease. Therefore, it has been classified as a Variant of Uncertain Significance.

Fulgent Genetics
Classification: Uncertain significance for Bethlem myopathy 1A; Ullrich congenital muscular dystrophy 1A; Dystonia 27. Last evaluated: 2021-07-06. Review status: criteria provided, single submitter. Criteria: ACMG Guidelines, 2015. Collection method: clinical testing. Allele origin: unknown.

NM_004369.4(COL6A3):c.911A>G (p.Gln304Arg)

Gene: COL6A3 (collagen type VI alpha 3 chain; minus strand). Cytogenetic location: 2q37.3.
Variant type: single nucleotide variant.
Coding change: c.911A>G on transcript NM_004369.4 (MANE Select); coding-DNA position 911, A replaced by G.
Protein change: p.Gln304Arg; replaces glutamine 304 with arginine.
Molecular consequence: missense variant. On other transcripts: intron variant (2).
Genome position (GRCh38, 1-based): chr2:237,387,983, T>C on the plus strand (A>G on the coding strand, the complement: COL6A3 is on the minus strand). VCF-style: chr2-237387983-T-C. GRCh37 (hg19) VCF-style: chr2-238296626-T-C.
Other names: c.92-6484A>G (NM_057166.5, NM_057164.5); c.293A>G, p.Gln98Arg (NM_057165.5, NM_057167.4); short protein forms Q304R, Q98R.
Identifiers: ClinVar variation 1367714 (VCV001367714.7), dbSNP rs1370564126, ClinGen allele CA351223065.